The following is an entry in ClinVar:

ClinVar aggregate classification (germline): Benign. Review status: criteria provided, single submitter (1 of 4 stars). 2 submissions from 2 submitters: Benign (1). 1 of the submissions does not count toward it. Last evaluated 2024-03-14.

Conditions:
BHLHE41-related disorder. Also called: BHLHE41-related condition.

Allele frequency attached by ClinVar (database versions not stated): ExAC 0.01190; 1000 Genomes Project 0.04892; TOPMed 0.04577; 1000 Genomes Project 30x 0.05403; gnomAD exomes 0.00340; gnomAD 0.03983.
gnomAD v4.1: 10,077 of 1,285,214 alleles (0.78%); highest among the groups gnomAD compares: African/African-American, 14%; 650 homozygotes.

Submissions (2):

Mayo Clinic Laboratories, Mayo Clinic
Classification: Benign. Last evaluated: 2024-03-14. Review status: criteria provided, single submitter. Criteria: ACMG Guidelines, 2015. Collection method: clinical testing. Allele origin: germline. Observed: 9 variant alleles.

PreventionGenetics, part of Exact Sciences
Classification: Benign for BHLHE41-related condition. Last evaluated: 2020-02-18. Review status: no assertion criteria provided. Collection method: clinical testing. Allele origin: germline. Not counted in ClinVar's aggregate classification.
Comment: This variant is classified as benign based on ACMG/AMP sequence variant interpretation guidelines (Richards et al. 2015 PMID: 25741868, with internal and published modifications).

NM_030762.3(BHLHE41):c.1282G>A (p.Ala428Thr)

Genes: BHLHE41 (basic helix-loop-helix family member e41; minus strand), SSPN (sarcospan; plus strand). Cytogenetic location: 12p12.1.
Variant type: single nucleotide variant.
Coding change: c.1282G>A on transcript NM_030762.3 (MANE Select); coding-DNA position 1282, G replaced by A.
Protein change: p.Ala428Thr; replaces alanine 428 with threonine.
Molecular consequence: missense variant.
Genome position (GRCh38, 1-based): chr12:26,122,233, C>T on the plus strand (G>A on the coding strand, the complement: BHLHE41 is on the minus strand). VCF-style: chr12-26122233-C-T. GRCh37 (hg19) VCF-style: chr12-26275166-C-T.
Other names: p.Ala428Thr; short protein forms A428T.
Identifiers: ClinVar variation 3039300 (VCV003039300.3), dbSNP rs76117681, ClinGen allele CA6487595.